The following is an entry in ClinVar:

ClinVar aggregate classification (germline): Likely benign. Review status: criteria provided, multiple submitters, no conflicts (2 of 4 stars). 3 submissions from 3 submitters: Likely benign (3). Last evaluated 2025-10-01.

Allele frequency attached by ClinVar (database versions not stated): 1000 Genomes Project 30x 0.00047; 1000 Genomes Project 0.00060; gnomAD 0.00064; ESP Exome Variant Server 0.00069; gnomAD exomes 0.00072 and 0.00093; ExAC 0.00113; TOPMed 0.00119.
gnomAD v4.1: 1,196 of 1,613,774 alleles (0.074%); highest among the groups gnomAD compares: Middle Eastern, 0.54%; 5 homozygotes.

Submissions (3):

CeGaT Center for Human Genetics Tuebingen
Classification: Likely benign. Last evaluated: 2025-10-01. Review status: criteria provided, single submitter. Criteria: CeGaT Center For Human Genetics Tuebingen Variant Classification Criteria Version 2. Collection method: clinical testing. Allele origin: germline. Affected: yes. Observed: 5 variant alleles.
Comment: TUBB: BP4, BP7

GeneDx
Classification: Likely benign. Last evaluated: 2020-10-31. Review status: criteria provided, single submitter. Criteria: GeneDx Variant Classification Process June 2021. Collection method: clinical testing. Allele origin: germline. Affected: yes.

Breakthrough Genomics
Classification: Likely benign. Review status: criteria provided, single submitter. Criteria: ACMG Guidelines, 2015. Collection method: not provided. Allele origin: germline. Inheritance: Autosomal dominant inheritance. Affected: yes.

NM_178014.4(TUBB):c.1200C>T (p.Gly400=)

Gene: TUBB (tubulin beta class I; plus strand). Cytogenetic location: 6p21.33.
Variant type: single nucleotide variant.
Coding change: c.1200C>T on transcript NM_178014.4 (MANE Select); coding-DNA position 1200, C replaced by T.
Protein change: p.Gly400=; no amino-acid change (glycine 400 retained).
Molecular consequence: synonymous variant. On other transcripts: non-coding transcript variant (1).
Genome position (GRCh38, 1-based): chr6:30,724,262, C>T. VCF-style: chr6-30724262-C-T. GRCh37 (hg19) VCF-style: chr6-30692039-C-T.
Other names: c.1260C>T, p.Gly420= (NM_001293212.2); c.594C>T, p.Gly198= (NM_001293213.2); c.1068C>T, p.Gly356= (NM_001293214.2); c.984C>T, p.Gly328= (NM_001293215.2, NM_001293216.2).
Identifiers: ClinVar variation 386448 (VCV000386448.28), dbSNP rs139901632, ClinGen allele CA3703574.
Genomic context (GRCh38, chr6:30,724,262, plus strand): 5'-CATCTCGGAGCAGTTCACTGCCATGTTCCGCCGGAAGGCCTTCCTCCACTGGTACACAGG[C>T]GAGGGCATGGACGAGATGGAGTTCACCGAGGCTGAGAGCAACATGAACGACCTCGTCTCT-3'
Protein context (NP_821133.1, residues 390-410): RRKAFLHWYT[Gly400=]EGMDEMEFTE